The following is an entry in ClinVar:

NC_000016.10:g.67660465C>T

Gene: ACD (ACD shelterin complex subunit and telomerase recruitment factor; minus strand). Cytogenetic location: 16q22.1.
Variant type: single nucleotide variant.
Genome position: GRCh38 VCF-style: chr16-67660465-C-T. GRCh37 (hg19) VCF-style: chr16-67694368-C-T.
Identifiers: ClinVar variation 542414 (VCV000542414.9), dbSNP rs1555542868, ClinGen allele CA396360285.

ClinVar aggregate classification (germline): Uncertain significance (1 of 4 stars; one submission).

Conditions:
Dyskeratosis congenita, autosomal dominant 6 (DKCA6). Identifiers: Orphanet 3322, MedGen C4225284, MONDO:0014690, OMIM 616553.

Allele frequency attached by ClinVar (database versions not stated): TOPMed below 0.00001.

Submission:

Labcorp Genetics (formerly Invitae), Labcorp
Classification: Uncertain significance for Dyskeratosis congenita, autosomal dominant 6. Last evaluated: 2023-04-06. Review status: criteria provided, single submitter. Criteria: Invitae Variant Classification Sherloc (09022015). Collection method: clinical testing. Allele origin: germline.
Comment: In summary, the available evidence is currently insufficient to determine the role of this variant in disease. Therefore, it has been classified as a Variant of Uncertain Significance. This sequence change replaces cysteine, which is neutral and slightly polar, with tyrosine, which is neutral and polar, at codon 5 of the ACD protein (p.Cys5Tyr). This variant is not present in population databases (gnomAD no frequency). This variant has not been reported in the literature in individuals affected with ACD-related conditions. ClinVar contains an entry for this variant (Variation ID: 542414). Algorithms developed to predict the effect of missense changes on protein structure and function output the following: SIFT: "Not Available"; PolyPhen-2: "Benign"; Align-GVGD: "Not Available". The tyrosine amino acid residue is found in multiple mammalian species, which suggests that this missense change does not adversely affect protein function.